The following is an entry in ClinVar:

ClinVar aggregate classification (germline): Pathogenic (1 of 4 stars; one submission).

Submission:

Labcorp Genetics (formerly Invitae), Labcorp
Classification: Pathogenic. Last evaluated: 2024-02-16. Review status: criteria provided, single submitter. Criteria: Invitae Variant Classification Sherloc (09022015). Collection method: clinical testing. Allele origin: germline.
Comment: This sequence change creates a premature translational stop signal (p.Tyr209*) in the MED17 gene. It is expected to result in an absent or disrupted protein product. Loss-of-function variants in MED17 are known to be pathogenic (PMID: 20950787, 26004231, 30345598). Information on the frequency of this variant in the gnomAD database is not available, as this variant may be reported differently in the database. This variant has not been reported in the literature in individuals affected with MED17-related conditions. For these reasons, this variant has been classified as Pathogenic.

Literature cited by the submitters: PubMed 20950787; PubMed 26004231; PubMed 30345598.

NM_004268.5(MED17):c.627_628delinsAG (p.Tyr209_Arg210delinsTer)

Gene: MED17 (mediator complex subunit 17; plus strand). Cytogenetic location: 11q21.
Variant type: Indel.
Coding change: c.627_628delinsAG on transcript NM_004268.5 (MANE Select); coding-DNA positions 627 to 628, CA replaced by AG.
Protein change: p.Tyr209_Arg210delinsTer.
Molecular consequence: nonsense.
Genome position (GRCh38, 1-based): chr11:93,790,783-93,790,784, CA replaced by AG. VCF-style: chr11-93790783-CA-AG. GRCh37 (hg19) VCF-style: chr11-93523949-CA-AG.
Identifiers: ClinVar variation 3705550 (VCV003705550.2).